The following is an entry in ClinVar:

ClinVar aggregate classification (germline): Uncertain significance (1 of 4 stars; one submission).

gnomAD v4.1: 1 of 1,606,880 alleles (0.000062%); highest among the groups gnomAD compares: Non-Finnish European, 0.000085%; no homozygotes.

Submission:

Ambry Genetics
Classification: Uncertain significance. Last evaluated: 2026-07-22. Review status: criteria provided, single submitter. Criteria: Ambry Variant Classification Scheme 2023. Collection method: clinical testing. Allele origin: germline.
Comment: The p.Q1876P variant (also known as c.5627A>C), located in coding exon 22 of the WNK2 gene, results from an A to C substitution at nucleotide position 5627. The glutamine at codon 1876 is replaced by proline, an amino acid with similar properties. This amino acid position is conserved. In addition, the in silico prediction for this alteration is inconclusive. Based on the available evidence, the clinical significance of this variant remains unclear.

NM_006648.4(WNK2):c.5627A>C (p.Gln1876Pro)

Gene: WNK2 (WNK lysine deficient protein kinase 2; plus strand). Cytogenetic location: 9q22.31.
Variant type: single nucleotide variant.
Coding change: c.5627A>C on transcript NM_006648.4 (MANE Select); coding-DNA position 5627, A replaced by C.
Protein change: p.Gln1876Pro; replaces glutamine 1876 with proline.
Molecular consequence: missense variant.
Genome position (GRCh38, 1-based): chr9:93,293,092, A>C. VCF-style: chr9-93293092-A-C. GRCh37 (hg19) VCF-style: chr9-96055374-A-C.
Other names: c.5738A>C, p.Gln1913Pro (NM_001282394.3); short protein forms Q1876P, Q1913P.
Identifiers: ClinVar variation 5031876 (VCV005031876.1).